The following is an entry in ClinVar:

NM_003923.3(FOXH1):c.619C>T (p.Pro207Ser)

Gene: FOXH1 (forkhead box H1; minus strand). Cytogenetic location: 8q24.3.
Variant type: single nucleotide variant.
Coding change: c.619C>T on transcript NM_003923.3 (MANE Select); coding-DNA position 619, C replaced by T.
Protein change: p.Pro207Ser; replaces proline 207 with serine.
Molecular consequence: missense variant.
Genome position (GRCh38, 1-based): chr8:144,474,717, G>A on the plus strand (C>T on the coding strand, the complement: FOXH1 is on the minus strand). VCF-style: chr8-144474717-G-A. GRCh37 (hg19) VCF-style: chr8-145700100-G-A.
Other names: short protein forms P207S.
Identifiers: ClinVar variation 2885105 (VCV002885105.3), dbSNP rs1224423317, ClinGen allele CA372724193.

ClinVar aggregate classification (germline): Uncertain significance (1 of 4 stars; one submission).

Conditions:
Holoprosencephaly sequence (HPE). Also called: Holoprosencephaly. Identifiers: Orphanet 2162, MedGen C0079541, MONDO:0016296, HP:0001360.

Allele frequency attached by ClinVar (database versions not stated): gnomAD exomes below 0.00001; gnomAD 0.00001; TOPMed 0.00001.

Submission:

Labcorp Genetics (formerly Invitae), Labcorp
Classification: Uncertain significance for Holoprosencephaly sequence. Last evaluated: 2023-01-22. Review status: criteria provided, single submitter. Criteria: Invitae Variant Classification Sherloc (09022015). Collection method: clinical testing. Allele origin: germline.
Comment: In summary, the available evidence is currently insufficient to determine the role of this variant in disease. Therefore, it has been classified as a Variant of Uncertain Significance. Advanced modeling of protein sequence and biophysical properties (such as structural, functional, and spatial information, amino acid conservation, physicochemical variation, residue mobility, and thermodynamic stability) performed at Invitae indicates that this missense variant is not expected to disrupt FOXH1 protein function. This variant has not been reported in the literature in individuals affected with FOXH1-related conditions. The frequency data for this variant in the population databases is considered unreliable, as metrics indicate poor data quality at this position in the gnomAD database. This sequence change replaces proline, which is neutral and non-polar, with serine, which is neutral and polar, at codon 207 of the FOXH1 protein (p.Pro207Ser).